The following is an entry in ClinVar:

NM_000701.8(ATP1A1):c.3005A>G (p.Asp1002Gly)

Genes: ATP1A1 (ATPase Na+/K+ transporting subunit alpha 1; plus strand), ATP1A1-AS1 (ATP1A1 antisense RNA 1; minus strand). Cytogenetic location: 1p13.1.
Variant type: single nucleotide variant.
Coding change: c.3005A>G on transcript NM_000701.8 (MANE Select); coding-DNA position 3005, A replaced by G.
Protein change: p.Asp1002Gly; replaces aspartic acid 1002 with glycine.
Molecular consequence: missense variant.
Genome position (GRCh38, 1-based): chr1:116,403,937, A>G. VCF-style: chr1-116403937-A-G. GRCh37 (hg19) VCF-style: chr1-116946559-A-G.
Other names: c.3005A>G, p.Asp1002Gly (NM_001160233.2); c.2912A>G, p.Asp971Gly (NM_001160234.2); short protein forms D1002G, D971G.
Identifiers: ClinVar variation 5017510 (VCV005017510.1).
Genomic context (GRCh38, chr1:116,403,937, plus strand): 5'-TTTCCAGACCTACCTGGTGGTTCTGTGCCTTCCCCTACTCTCTTCTCATCTTCGTATATG[A>G]CGAAGTCAGAAAACTCATCATCAGGCGACGCCCTGGCGGTAATTATGGGCATTCTGACTT-3'
Protein context (NP_000692.2, residues 992-1012): FPYSLLIFVY[Asp1002Gly]EVRKLIIRRR

ClinVar aggregate classification (germline): Uncertain significance (1 of 4 stars; one submission).

Submission:

GeneDx
Classification: Uncertain significance. Last evaluated: 2026-03-26. Review status: criteria provided, single submitter. Criteria: GeneDx Variant Classification Process June 2021. Collection method: clinical testing. Allele origin: germline.
Comment: Not observed at significant frequency in large population cohorts (gnomAD); In silico analysis supports that this missense variant has a deleterious effect on protein structure/function; Has not been previously published as pathogenic or benign to our knowledge